The following is an entry in ClinVar:

NM_182931.3(KMT2E):c.5419A>G (p.Thr1807Ala)

Gene: KMT2E (lysine methyltransferase 2E (inactive); plus strand). Cytogenetic location: 7q22.3.
Variant type: single nucleotide variant.
Coding change: c.5419A>G on transcript NM_182931.3 (MANE Select); coding-DNA position 5419, A replaced by G.
Protein change: p.Thr1807Ala; replaces threonine 1807 with alanine.
Molecular consequence: missense variant.
Genome position (GRCh38, 1-based): chr7:105,113,175, A>G. VCF-style: chr7-105113175-A-G. GRCh37 (hg19) VCF-style: chr7-104753622-A-G.
Other names: c.5293A>G, p.Thr1765Ala (NM_001410908.1); c.5419A>G, p.Thr1807Ala (NM_018682.4); short protein forms T1765A, T1807A.
Identifiers: ClinVar variation 2208603 (VCV002208603.3), dbSNP rs374000573, ClinGen allele CA4424979.

ClinVar aggregate classification (germline): Uncertain significance. Review status: criteria provided, multiple submitters, no conflicts (2 of 4 stars). 2 submissions from 2 submitters: Uncertain significance (2). Last evaluated 2025-11-06.

Conditions:
Inborn genetic diseases. Identifiers: MedGen C0950123, MeSH D030342.

Allele frequency attached by ClinVar (database versions not stated): TOPMed below 0.00001; ExAC 0.00001; gnomAD exomes 0.00004; ESP Exome Variant Server 0.00008.
gnomAD v4.1: 57 of 1,613,932 alleles (0.0035%); highest among the groups gnomAD compares: Non-Finnish European, 0.0042%; no homozygotes.

Submissions (2):

Labcorp Genetics (formerly Invitae), Labcorp
Classification: Uncertain significance. Last evaluated: 2025-11-06. Review status: criteria provided, single submitter. Criteria: Invitae Variant Classification Sherloc (09022015). Collection method: clinical testing. Allele origin: germline.
Comment: This sequence change replaces threonine, which is neutral and polar, with alanine, which is neutral and non-polar, at codon 1807 of the KMT2E protein (p.Thr1807Ala). This variant is present in population databases (rs374000573, gnomAD 0.003%). This variant has not been reported in the literature in individuals affected with KMT2E-related conditions. ClinVar contains an entry for this variant (Variation ID: 2208603). An algorithm developed to predict the effect of missense changes on protein structure and function (PolyPhen-2) suggests that this variant is likely to be tolerated. In summary, the available evidence is currently insufficient to determine the role of this variant in disease. Therefore, it has been classified as a Variant of Uncertain Significance.

Ambry Genetics
Classification: Uncertain significance for Inborn genetic diseases. Last evaluated: 2022-12-19. Review status: criteria provided, single submitter. Criteria: Ambry Variant Classification Scheme 2023. Collection method: clinical testing. Allele origin: germline.